The following is an entry in ClinVar:

ClinVar aggregate classification (germline): Uncertain significance (1 of 4 stars; one submission).

Conditions:
Hereditary cancer-predisposing syndrome. Also called: Hereditary Cancer Syndrome; Neoplastic Syndromes, Hereditary; Tumor predisposition; Hereditary neoplastic syndrome. Identifiers: Orphanet 140162, MedGen C0027672, MeSH D009386, MONDO:0015356.

Submission:

Ambry Genetics
Classification: Uncertain significance for Hereditary cancer-predisposing syndrome. Last evaluated: 2022-07-28. Review status: criteria provided, single submitter. Criteria: Ambry Variant Classification Scheme 2023. Collection method: clinical testing. Allele origin: germline.
Comment: The p.D1670E variant (also known as c.5010C>A), located in coding exon 35 of the SMARCA4 gene, results from a C to A substitution at nucleotide position 5010. The aspartic acid at codon 1670 is replaced by glutamic acid, an amino acid with highly similar properties. This amino acid position is well conserved in available vertebrate species. In addition, this alteration is predicted to be tolerated by in silico analysis. Missense and in-frame variants in SMARCA4 are known to cause neurodevelopmental disorders; however, such associations with rhabdoid tumor predisposition syndrome including small cell carcinoma of the ovary-hypercalcemic type (SCCOHT) are exceedingly rare (Kosho T et al. Am J Med Genet C Semin Med Genet. 2014 Sep;166C(3):262-75; Jelinic P et al. Nat Genet. 2014 May;46(5):424-6). Based on the supporting evidence, the association of this alteration with Coffin-Siris syndrome is unknown; however, the association of this alteration with rhabdoid tumor predisposition syndrome is unlikely.

NM_003072.5(SMARCA4):c.4914C>A (p.Asp1638Glu)

Gene: SMARCA4 (SWI/SNF related BAF chromatin remodeling complex subunit ATPase 4; plus strand). Cytogenetic location: 19p13.2.
Variant type: single nucleotide variant.
Coding change: c.4914C>A on transcript NM_003072.5 (MANE Select); coding-DNA position 4914, C replaced by A.
Protein change: p.Asp1638Glu; replaces aspartic acid 1638 with glutamic acid.
Molecular consequence: missense variant. On other transcripts: non-coding transcript variant (1).
Genome position (GRCh38, 1-based): chr19:11,061,786, C>A. VCF-style: chr19-11061786-C-A. GRCh37 (hg19) VCF-style: chr19-11172462-C-A.
Other names: c.4914C>A, p.Asp1638Glu (NM_001128844.3); c.4824C>A, p.Asp1608Glu (NM_001128845.2); c.4821C>A, p.Asp1607Glu (NM_001128846.2); c.4815C>A, p.Asp1605Glu (NM_001128847.4, NM_001374457.1); c.4812C>A, p.Asp1604Glu (NM_001128848.2); c.5010C>A, p.Asp1670Glu (NM_001128849.3, NM_001387283.1); c.4911C>A, p.Asp1637Glu (NM_001411150.1); short protein forms D1608E, D1607E, D1604E, D1637E, D1605E, D1638E, D1670E.
Identifiers: ClinVar variation 1744762 (VCV001744762.2), dbSNP rs1555797441, ClinGen allele CA404081791.
Genomic context (GRCh38, chr19:11,061,786, plus strand): 5'-GCAAGGTGCCCTGGCAGGGGTGGCCAACGCACACTCTCTCCTCCTGTCCCCTCTCCAGGA[C>A]CGCTCAGGAAGTGGCAGCGAAGAAGACTGAGCCCCGACATTCCAGTCTCGACCCCGAGCC-3'
Protein context (NP_003063.2, residues 1628-1647): DDDSEEEQEE[Asp1638Glu]RSGSGSEED